The following is an entry in ClinVar:

ClinVar aggregate classification (germline): Pathogenic (1 of 4 stars; one submission).

Conditions:
Breast-ovarian cancer, familial, susceptibility to, 2 (BROVCA2). Also called: BRCA2 Hereditary Breast and Ovarian Cancer. Identifiers: Orphanet 145, MedGen C2675520, MONDO:0012933, OMIM 612555. Disease mechanism: loss of function.

Submission:

Myriad Genetics, Inc.
Classification: Pathogenic for Breast-ovarian cancer, familial, susceptibility to, 2. Last evaluated: 2025-09-17. Review status: criteria provided, single submitter. Criteria: Myriad Autosomal Dominant, Autosomal Recessive and X-Linked Classification Criteria (2023). Collection method: clinical testing. Allele origin: unknown.
Comment: This variant is considered pathogenic. This variant creates a frameshift predicted to result in premature protein truncation.

NM_000059.4(BRCA2):c.1594dup (p.Glu532fs)

Gene: BRCA2 (BRCA2 DNA repair associated; plus strand). Cytogenetic location: 13q13.1.
Variant type: Duplication.
Coding change: c.1594dup on transcript NM_000059.4 (MANE Select); coding-DNA position 1594, one base duplicated (G; older notation c.1594dupG).
Protein change: p.Glu532fs; shifts the reading frame from glutamic acid 532.
Molecular consequence: frameshift variant. On other transcripts: non-coding transcript variant (1), intron variant (1).
Genome position (GRCh38, 1-based): chr13:32,333,072, G duplicated. VCF-style (leftmost placement, unchanged base first): chr13-32333071-A-AG. GRCh37 (hg19) VCF-style: chr13-32907208-A-AG.
Other names: c.1594dup, p.Glu532fs (NM_001406719.1, NM_001406720.1, NM_001406721.1 and 1 more transcripts); c.424+2042dup (NM_001406722.1); short protein forms E532fs.
Identifiers: ClinVar variation 4294275 (VCV004294275.1).